The following is an entry in ClinVar:

ClinVar aggregate classification (germline): Likely benign (0 of 4 stars; one submission).

Conditions:
TIAM1-related disorder. Also called: TIAM1-related condition.

Allele frequency attached by ClinVar (database versions not stated): gnomAD exomes 0.00020; ExAC 0.00048; gnomAD 0.00145; ESP Exome Variant Server 0.00154; 1000 Genomes Project 0.00160; TOPMed 0.00166; 1000 Genomes Project 30x 0.00172.
gnomAD v4.1: 524 of 1,614,178 alleles (0.032%); highest among the groups gnomAD compares: African/African-American, 0.46%; 1 homozygote.

Submission:

PreventionGenetics, part of Exact Sciences
Classification: Likely benign for TIAM1-related condition. Last evaluated: 2024-08-22. Review status: no assertion criteria provided. Collection method: clinical testing. Allele origin: germline.
Comment: This variant is classified as likely benign based on ACMG/AMP sequence variant interpretation guidelines (Richards et al. 2015 PMID: 25741868, with internal and published modifications).

NM_001353694.2(TIAM1):c.334G>A (p.Val112Ile)

Gene: TIAM1 (TIAM Rac1 associated GEF 1; minus strand). Cytogenetic location: 21q22.11.
Variant type: single nucleotide variant.
Coding change: c.334G>A on transcript NM_001353694.2 (MANE Select); coding-DNA position 334, G replaced by A.
Protein change: p.Val112Ile; replaces valine 112 with isoleucine.
Molecular consequence: missense variant.
Genome position (GRCh38, 1-based): chr21:31,266,639, C>T on the plus strand (G>A on the coding strand, the complement: TIAM1 is on the minus strand). VCF-style: chr21-31266639-C-T. GRCh37 (hg19) VCF-style: chr21-32638955-C-T.
Other names: c.334G>A, p.Val112Ile (NM_001353686.2, NM_001353687.2, NM_001353688.1 and 6 more transcripts); short protein forms V112I.
Identifiers: ClinVar variation 3051791 (VCV003051791.2), dbSNP rs142082958, ClinGen allele CA9998693.